The following is an entry in ClinVar:

ClinVar aggregate classification (germline): Likely pathogenic (1 of 4 stars; one submission).

Conditions:
Leber congenital amaurosis 5 (LCA5). Also called: Amaurosis congenita of Leber, type 5. Identifiers: Orphanet 65, MedGen C1858301, MONDO:0011473, OMIM 604537.

Submission:

Natera, Inc.
Classification: Likely pathogenic for Leber congenital amaurosis type 5. Last evaluated: 2025-10-29. Review status: criteria provided, single submitter. Criteria: Natera Variant Classification Schema (03/2026). Collection method: clinical testing. Allele origin: germline.
Comment: The c.91_92del variant in LCA5 is a frameshift variant predicted to shift the reading frame beginning at codon 31 and leads to a stop codon 16 codons downstream. This variant is expected to result in nonsense mediated decay, truncation, or a dysfunctional protein product. This variant is rare in the general population with a frequency below the threshold expected for the associated phenotype(s). Given the available evidence, this variant is classified as Likely Pathogenic.

NM_001122769.3(LCA5):c.91_92del (p.Gln31fs)

Gene: LCA5 (lebercilin LCA5; minus strand). Cytogenetic location: 6q14.1.
Variant type: Microsatellite.
Coding change: c.91_92del on transcript NM_001122769.3 (MANE Select); coding-DNA positions 91 to 92, 2 bases deleted (CA; older notation c.91_92delCA).
Protein change: p.Gln31fs; shifts the reading frame from glutamine 31.
Molecular consequence: frameshift variant.
Genome position (GRCh38, 1-based): chr6:79,518,803-79,518,804, TG deleted on the plus strand (CA on the coding strand, the reverse complement: LCA5 is on the minus strand); deleting any 2 consecutive bases within chr6:79,518,803-79,518,806 gives the same sequence; the c. name uses the placement nearest the transcript's 3' end. VCF-style (leftmost placement, unchanged base first): chr6-79518802-CTG-C. GRCh37 (hg19) VCF-style: chr6-80228519-CTG-C.
Other names: c.91_92del, p.Gln31fs (NM_181714.4); short protein forms Q31fs.
Identifiers: ClinVar variation 4816992 (VCV004816992.1).